The following is an entry in ClinVar:

ClinVar aggregate classification (germline): Uncertain significance. Review status: criteria provided, multiple submitters, no conflicts (2 of 4 stars). 3 submissions from 3 submitters: Uncertain significance (2). 1 of the submissions does not count toward it. Last evaluated 2023-10-05.

Conditions:
Pulmonary fibrosis. Identifiers: MedGen C0034069, MONDO:0002771, HP:0002206.
Dyskeratosis congenita. Identifiers: Orphanet 1775, MedGen C0265965, MONDO:0015780.
Idiopathic Pulmonary Fibrosis. Also called: idiopathic fibrosing alveolitis; Idiopathic fibrosing alveolitis, chronic form. Identifiers: Orphanet 2032, MedGen C1800706, MeSH D054990, MONDO:0800504.
Dyskeratosis congenita, autosomal dominant 2. Identifiers: MedGen C3151443, MONDO:0013521, OMIM 613989.

Allele frequency attached by ClinVar (database versions not stated): TOPMed below 0.00001.

Submissions (3):

Labcorp Genetics (formerly Invitae), Labcorp
Classification: Uncertain significance for Dyskeratosis congenita, autosomal dominant 2; Idiopathic Pulmonary Fibrosis. Last evaluated: 2023-10-05. Review status: criteria provided, single submitter. Criteria: Invitae Variant Classification Sherloc (09022015). Collection method: clinical testing. Allele origin: germline.
Comment: This sequence change replaces tyrosine, which is neutral and polar, with histidine, which is basic and polar, at codon 825 of the TERT protein (p.Tyr825His). This variant is not present in population databases (gnomAD no frequency). This variant has not been reported in the literature in individuals affected with TERT-related conditions. ClinVar contains an entry for this variant (Variation ID: 1695950). Advanced modeling of protein sequence and biophysical properties (such as structural, functional, and spatial information, amino acid conservation, physicochemical variation, residue mobility, and thermodynamic stability) performed at Invitae indicates that this missense variant is expected to disrupt TERT protein function. In summary, the available evidence is currently insufficient to determine the role of this variant in disease. Therefore, it has been classified as a Variant of Uncertain Significance.

Ambry Genetics
Classification: Uncertain significance for Dyskeratosis congenita. Last evaluated: 2022-04-05. Review status: criteria provided, single submitter. Criteria: Ambry Variant Classification Scheme 2023. Collection method: clinical testing. Allele origin: germline.
Comment: The p.Y825H variant (also known as c.2473T>C), located in coding exon 9 of the TERT gene, results from a T to C substitution at nucleotide position 2473. The tyrosine at codon 825 is replaced by histidine, an amino acid with similar properties. This amino acid position is conserved. In addition, the in silico prediction for this alteration is inconclusive. Since supporting evidence is limited at this time, the clinical significance of this alteration remains unclear.

Garcia Pulmonary Genetics Research Laboratory, Columbia University Irving Medical Center
Classification: Likely risk allele for Pulmonary fibrosis. Last evaluated: 2022-06-09. Review status: no assertion criteria provided. Collection method: research. Allele origin: germline. Affected: yes. Not counted in ClinVar's aggregate classification.
Comment: Leukocyte telomere length (by qPCR) less than 10th percentile age-adjusted

NM_198253.3(TERT):c.2473T>C (p.Tyr825His)

Gene: TERT (telomerase reverse transcriptase; minus strand). Cytogenetic location: 5p15.33.
Variant type: single nucleotide variant.
Coding change: c.2473T>C on transcript NM_198253.3 (MANE Select); coding-DNA position 2473, T replaced by C.
Protein change: p.Tyr825His; replaces tyrosine 825 with histidine.
Molecular consequence: missense variant. On other transcripts: non-coding transcript variant (2).
Genome position (GRCh38, 1-based): chr5:1,268,629, A>G on the plus strand (T>C on the coding strand, the complement: TERT is on the minus strand). VCF-style: chr5-1268629-A-G. GRCh37 (hg19) VCF-style: chr5-1268744-A-G.
Other names: p.Leu764Pro; c.2473T>C, p.Tyr825His (NM_001193376.3); short protein forms Y825H.
Identifiers: ClinVar variation 1695950 (VCV001695950.12), dbSNP rs1748797889, ClinGen allele CA359075126.
Genomic context (GRCh38, chr5:1,268,629, plus strand): 5'-ACAGGCTGCAGAGCAGCGTGGAGAGGATGGAGCCCTGCGGGATCCCCTGGCACTGGACGT[A>G]GGACCTGGGGCGGGAAGACACAGGTGAGAGACGGGCAGGGCATGTGCTGGACATGCGTAC-3'
Protein context (NP_937983.2, residues 815-835): HHAVRIRGKS[Tyr825His]VQCQGIPQGS